The following is an entry in ClinVar:

ClinVar aggregate classification (germline): Uncertain significance. Review status: criteria provided, multiple submitters, no conflicts (2 of 4 stars). 2 submissions from 2 submitters: Uncertain significance (2). Last evaluated 2024-10-27.

Conditions:
Cardiovascular phenotype. Identifiers: MedGen CN230736.
Brugada syndrome. Also called: Sudden unexpected nocturnal death syndrome; Sudden unexplained nocturnal death syndrome; Sudden Unexplained Death Syndrome; Sudden Unexplained Nocturnal Death Syndrome (SUNDS). Identifiers: Orphanet 130, MedGen C1142166, MONDO:0015263.

gnomAD v4.1: 4 of 1,613,878 alleles (0.00025%); highest among the groups gnomAD compares: African/African-American, 0.0013%; no homozygotes.

Submissions (2):

Labcorp Genetics (formerly Invitae), Labcorp
Classification: Uncertain significance for Brugada syndrome. Last evaluated: 2024-10-27. Review status: criteria provided, single submitter. Criteria: Invitae Variant Classification Sherloc (09022015). Collection method: clinical testing. Allele origin: germline.
Comment: This sequence change replaces proline, which is neutral and non-polar, with leucine, which is neutral and non-polar, at codon 53 of the SCN10A protein (p.Pro53Leu). This variant is not present in population databases (gnomAD no frequency). This variant has not been reported in the literature in individuals affected with SCN10A-related conditions. ClinVar contains an entry for this variant (Variation ID: 1775883). Invitae Evidence Modeling of protein sequence and biophysical properties (such as structural, functional, and spatial information, amino acid conservation, physicochemical variation, residue mobility, and thermodynamic stability) indicates that this missense variant is expected to disrupt SCN10A protein function with a positive predictive value of 80%. In summary, the available evidence is currently insufficient to determine the role of this variant in disease. Therefore, it has been classified as a Variant of Uncertain Significance.

Ambry Genetics
Classification: Uncertain significance for Cardiovascular phenotype. Last evaluated: 2021-11-19. Review status: criteria provided, single submitter. Criteria: Ambry Variant Classification Scheme 2023. Collection method: clinical testing. Allele origin: germline.
Comment: The p.P53L variant (also known as c.158C>T), located in coding exon 1 of the SCN10A gene, results from a C to T substitution at nucleotide position 158. The proline at codon 53 is replaced by leucine, an amino acid with similar properties. This amino acid position is conserved. In addition, the in silico prediction for this alteration is inconclusive. Since supporting evidence is limited at this time, the clinical significance of this alteration remains unclear.

NM_006514.4(SCN10A):c.158C>T (p.Pro53Leu)

Gene: SCN10A (sodium voltage-gated channel alpha subunit 10; minus strand). Cytogenetic location: 3p22.2.
Variant type: single nucleotide variant.
Coding change: c.158C>T on transcript NM_006514.4 (MANE Select); coding-DNA position 158, C replaced by T.
Protein change: p.Pro53Leu; replaces proline 53 with leucine.
Molecular consequence: missense variant.
Genome position (GRCh38, 1-based): chr3:38,793,853, G>A on the plus strand (C>T on the coding strand, the complement: SCN10A is on the minus strand). VCF-style: chr3-38793853-G-A. GRCh37 (hg19) VCF-style: chr3-38835344-G-A.
Other names: c.158C>T, p.Pro53Leu (NM_001293306.2, NM_001293307.2); short protein forms P53L.
Identifiers: ClinVar variation 1775883 (VCV001775883.4), dbSNP rs752235456, ClinGen allele CA352162919.